The following is an entry in ClinVar:

NM_016239.4(MYO15A):c.1442C>T (p.Pro481Leu)

Gene: MYO15A (myosin XVA; plus strand). Cytogenetic location: 17p11.2.
Variant type: single nucleotide variant.
Coding change: c.1442C>T on transcript NM_016239.4 (MANE Select); coding-DNA position 1442, C replaced by T.
Protein change: p.Pro481Leu; replaces proline 481 with leucine.
Molecular consequence: missense variant.
Genome position (GRCh38, 1-based): chr17:18,120,242, C>T. VCF-style: chr17-18120242-C-T. GRCh37 (hg19) VCF-style: chr17-18023556-C-T.
Other names: short protein forms P481L.
Identifiers: ClinVar variation 3364188 (VCV003364188.2).

ClinVar aggregate classification (germline): Uncertain significance (1 of 4 stars; one submission).

gnomAD v4.1: 1 of 1,612,178 alleles (0.000062%); highest among the groups gnomAD compares: Non-Finnish European, 0.000085%; no homozygotes.

Submission:

GeneDx
Classification: Uncertain significance. Last evaluated: 2025-01-08. Review status: criteria provided, single submitter. Criteria: GeneDx Variant Classification Process June 2021. Collection method: clinical testing. Allele origin: germline.
Comment: Not observed at significant frequency in large population cohorts (gnomAD); In silico analysis supports that this missense variant has a deleterious effect on protein structure/function; Has not been previously published as pathogenic or benign to our knowledge